The following is an entry in ClinVar:

NM_001378183.1(PIEZO2):c.470C>T (p.Pro157Leu)

Gene: PIEZO2 (piezo type mechanosensitive ion channel component 2; minus strand). Cytogenetic location: 18p11.22.
Variant type: single nucleotide variant.
Coding change: c.470C>T on transcript NM_001378183.1 (MANE Select); coding-DNA position 470, C replaced by T.
Protein change: p.Pro157Leu; replaces proline 157 with leucine.
Molecular consequence: missense variant.
Genome position (GRCh38, 1-based): chr18:10,871,275, G>A on the plus strand (C>T on the coding strand, the complement: PIEZO2 is on the minus strand). VCF-style: chr18-10871275-G-A. GRCh37 (hg19) VCF-style: chr18-10871273-G-A.
Other names: c.470C>T, p.Pro157Leu (NM_022068.4); short protein forms P157L.
Identifiers: ClinVar variation 1443619 (VCV001443619.10), dbSNP rs1025310776, ClinGen allele CA296587595.
Genomic context (GRCh38, chr18:10,871,275, plus strand): 5'-AGAAATCAAAGAAGGAAGAGACATGGAGTTGGATTTACCAATTCTTCATTTTCAAACTCC[G>A]GGTTACTCTGTGCTGCTTCGTCTGTCACAGGTTTCTGAACAATGTTTCTACAGAGGAGCC-3'
Protein context (NP_001365112.1, residues 147-167): PVTDEAAQSN[Pro157Leu]EFENEELAEG

ClinVar aggregate classification (germline): Conflicting classifications of pathogenicity. Review status: criteria provided, conflicting classifications (1 of 4 stars). 3 submissions from 3 submitters: Uncertain significance (1); Likely benign (2). Last evaluated 2025-11-13.

Conditions:
Inborn genetic diseases. Identifiers: MedGen C0950123, MeSH D030342.

Allele frequency attached by ClinVar (database versions not stated): gnomAD exomes 0.00002 and 0.00004; gnomAD 0.00001 and 0.00002.
gnomAD v4.1: 34 of 1,536,688 alleles (0.0022%); highest among the groups gnomAD compares: Admixed American, 0.0079%; no homozygotes.

Submissions (3):

Ambry Genetics
Classification: Likely benign for Inborn genetic diseases. Last evaluated: 2025-11-13. Review status: criteria provided, single submitter. Criteria: Ambry Variant Classification Scheme 2023. Collection method: clinical testing. Allele origin: germline.

Labcorp Genetics (formerly Invitae), Labcorp
Classification: Likely benign. Last evaluated: 2022-07-13. Review status: criteria provided, single submitter. Criteria: Invitae Variant Classification Sherloc (09022015). Collection method: clinical testing. Allele origin: germline.

GeneDx
Classification: Uncertain significance. Last evaluated: 2022-03-02. Review status: criteria provided, single submitter. Criteria: GeneDx Variant Classification Process June 2021. Collection method: clinical testing. Allele origin: germline. Affected: yes.
Comment: In silico analysis supports that this missense variant does not alter protein structure/function; Has not been previously published as pathogenic or benign to our knowledge